The following is an entry in ClinVar:

ClinVar aggregate classification (germline): Uncertain significance (1 of 4 stars; one submission).

Conditions:
EP300-related disorder. Also called: EP300-related disorders; EP300-related condition.

Submission:

PreventionGenetics, part of Exact Sciences
Classification: Uncertain significance for EP300-related condition. Last evaluated: 2023-05-08. Review status: criteria provided, single submitter. Criteria: ACMG Guidelines, 2015. Collection method: clinical testing. Allele origin: germline.
Comment: The EP300 c.4009C>G variant is predicted to result in the amino acid substitution p.Pro1337Ala. To our knowledge, this variant has not been reported in the literature or in a large population database, indicating this variant is rare. At this time, the clinical significance of this variant is uncertain due to the absence of conclusive functional and genetic evidence.

NM_001429.4(EP300):c.4009C>G (p.Pro1337Ala)

Gene: EP300 (E1A binding protein p300; plus strand). Cytogenetic location: 22q13.2.
Variant type: single nucleotide variant.
Coding change: c.4009C>G on transcript NM_001429.4 (MANE Select); coding-DNA position 4009, C replaced by G.
Protein change: p.Pro1337Ala; replaces proline 1337 with alanine.
Molecular consequence: missense variant.
Genome position (GRCh38, 1-based): chr22:41,168,583, C>G. VCF-style: chr22-41168583-C-G. GRCh37 (hg19) VCF-style: chr22-41564587-C-G.
Other names: c.3931C>G, p.Pro1311Ala (NM_001362843.2); short protein forms P1311A, P1337A.
Identifiers: ClinVar variation 2635174 (VCV002635174.1), dbSNP rs2145762914, ClinGen allele CA411699642.